The following is an entry in ClinVar:

ClinVar aggregate classification (germline): Uncertain significance (1 of 4 stars; one submission).

Conditions:
Primary ciliary dyskinesia. Also called: Ciliary dyskinesia. Identifiers: Orphanet 244, MedGen C0008780, MONDO:0016575, HP:0012265.

Allele frequency attached by ClinVar (database versions not stated): 1000 Genomes Project 30x 0.00047; 1000 Genomes Project 0.00060.
gnomAD v4.1: 74 of 1,595,450 alleles (0.0046%); highest among the groups gnomAD compares: East Asian, 0.17%; 1 homozygote.

Submission:

Labcorp Genetics (formerly Invitae), Labcorp
Classification: Uncertain significance for Primary ciliary dyskinesia. Last evaluated: 2019-03-21. Review status: criteria provided, single submitter. Criteria: Invitae Variant Classification Sherloc (09022015). Collection method: clinical testing. Allele origin: germline.
Comment: In summary, the available evidence is currently insufficient to determine the role of this variant in disease. Therefore, it has been classified as a Variant of Uncertain Significance. Algorithms developed to predict the effect of missense changes on protein structure and function are either unavailable or do not agree on the potential impact of this missense change (SIFT: "Deleterious"; PolyPhen-2: Not Available; Align-GVGD: "Class C0"). This variant has not been reported in the literature in individuals with DNAH8-related disease. This variant is present in population databases (rs139250593, ExAC 0.08%). This sequence change replaces lysine with glutamic acid at codon 4357 of the DNAH8 protein (p.Lys4357Glu). The lysine residue is moderately conserved and there is a small physicochemical difference between lysine and glutamic acid.

NM_001206927.2(DNAH8):c.13069A>G (p.Lys4357Glu)

Gene: DNAH8 (dynein axonemal heavy chain 8; plus strand). Cytogenetic location: 6p21.2.
Variant type: single nucleotide variant.
Coding change: c.13069A>G on transcript NM_001206927.2 (MANE Select); coding-DNA position 13069, A replaced by G.
Protein change: p.Lys4357Glu; replaces lysine 4357 with glutamic acid.
Molecular consequence: missense variant.
Genome position (GRCh38, 1-based): chr6:38,990,027, A>G. VCF-style: chr6-38990027-A-G. GRCh37 (hg19) VCF-style: chr6-38957803-A-G.
Other names: c.12418A>G, p.Lys4140Glu (NM_001371.4); short protein forms K4140E, K4357E.
Identifiers: ClinVar variation 657266 (VCV000657266.11), dbSNP rs139250593, ClinGen allele CA3791568.